The following is an entry in ClinVar:

NM_001367624.2(ZNF469):c.2803G>A (p.Glu935Lys)

Gene: ZNF469 (zinc finger protein 469; plus strand). Cytogenetic location: 16q24.2.
Variant type: single nucleotide variant.
Coding change: c.2803G>A on transcript NM_001367624.2 (MANE Select); coding-DNA position 2803, G replaced by A.
Protein change: p.Glu935Lys; replaces glutamic acid 935 with lysine.
Molecular consequence: missense variant.
Genome position (GRCh38, 1-based): chr16:88,430,273, G>A. VCF-style: chr16-88430273-G-A. GRCh37 (hg19) VCF-style: chr16-88496681-G-A.
Other names: NM_001127464.2:c.2803G>A; p.Glu935Lys; short protein forms E935K.
Identifiers: ClinVar variation 320891 (VCV000320891.22), dbSNP rs117995699, ClinGen allele CA8224803.
Genomic context (GRCh38, chr16:88,430,273, plus strand): 5'-GACAGGGGCTGCCCAGCCCGAGGCAGGCCCAAAACGCGTTCCCTGGGTCTGGCCCCCACC[G>A]AGGCGGATGCGCCCAGCCAGGGCAGGCAGCAGAGGAGGGGGAAGCAGTTGAAGCTGTTCC-3'
Protein context (NP_001354553.1, residues 925-945): KTRSLGLAPT[Glu935Lys]ADAPSQGRQQ

ClinVar aggregate classification (germline): Benign/Likely benign. Review status: criteria provided, multiple submitters, no conflicts (2 of 4 stars). 8 submissions from 8 submitters: Benign (6); Likely benign (2). Last evaluated 2026-01-29.

Conditions:
Ehlers-Danlos syndrome (EDS). Identifiers: Orphanet 98249, MedGen C0013720, MONDO:0020066.
Brittle cornea syndrome 1 (BCS1). Also called: CORNEAL FRAGILITY, KERATOGLOBUS, BLUE SCLERAE, JOINT HYPEREXTENSIBILITY; EDS6B; FRAGILITAS OCULI WITH JOINT HYPEREXTENSIBILITY; DYSGENESIS MESODERMALIS CORNEAE ET SCLERAE; Corneal fragility keratoglobus, blue sclerae AND joint hypermobility. Identifiers: Orphanet 90354, MedGen C0268344, MONDO:0024543, OMIM 229200.
Cardiovascular phenotype. Identifiers: MedGen CN230736.

Allele frequency attached by ClinVar (database versions not stated): gnomAD 0.00222 and 0.00258; ExAC 0.00234; TOPMed 0.00342; gnomAD exomes 0.00535; 1000 Genomes Project 0.00639; 1000 Genomes Project 30x 0.00687.
gnomAD v4.1: 1,836 of 1,515,830 alleles (0.12%); highest among the groups gnomAD compares: East Asian, 2.7%; 23 homozygotes.

Submissions (8):

Labcorp Genetics (formerly Invitae), Labcorp
Classification: Benign. Last evaluated: 2026-01-29. Review status: criteria provided, single submitter. Criteria: Invitae Variant Classification Sherloc (09022015). Collection method: clinical testing. Allele origin: germline.

Women's Health and Genetics/Laboratory Corporation of America, LabCorp
Classification: Likely benign. Last evaluated: 2026-01-22. Review status: criteria provided, single submitter. Criteria: LabCorp Variant Classification Summary - May 2015. Collection method: clinical testing. Allele origin: germline.

Mayo Clinic Laboratories, Mayo Clinic
Classification: Benign. Last evaluated: 2023-06-07. Review status: criteria provided, single submitter. Criteria: ACMG Guidelines, 2015. Collection method: clinical testing. Allele origin: germline. Observed: 5 variant alleles.
Comment: BS1, BS2, BP4

Center for Genomics, Ann and Robert H. Lurie Children's Hospital of Chicago
Classification: Benign for Brittle cornea syndrome 1. Last evaluated: 2022-12-09. Review status: criteria provided, single submitter. Criteria: ACMG Guidelines, 2015. Collection method: clinical testing. Allele origin: germline.
Comment: This variant is present in the Genome Aggregation Database (Highest reported MAF: 3.2% [374/11666], and in 12 total homozygotes). This variant is also present in ClinVar, with several laboratories classifying it as benign or likely benign (Variation ID: 320891). Evolutionary conservation and computational prediction tools suggest that this variant may not impact the protein. In summary, this variant is classified as benign.

Genome-Nilou Lab
Classification: Benign for Brittle cornea syndrome 1. Last evaluated: 2021-12-05. Review status: criteria provided, single submitter. Criteria: ACMG Guidelines, 2015. Collection method: clinical testing. Allele origin: germline. Affected: no.

Genome Diagnostics Laboratory, The Hospital for Sick Children
Classification: Likely benign for Ehlers-Danlos syndrome. Last evaluated: 2021-10-28. Review status: criteria provided, single submitter. Criteria: ACMG Guidelines, 2015. Collection method: clinical testing. Allele origin: germline.

Ambry Genetics
Classification: Benign for Cardiovascular phenotype. Last evaluated: 2019-03-15. Review status: criteria provided, single submitter. Criteria: Ambry Variant Classification Scheme 2023. Collection method: clinical testing. Allele origin: germline.

GeneDx
Classification: Benign. Last evaluated: 2018-06-20. Review status: criteria provided, single submitter. Criteria: GeneDx Variant Classification Process June 2021. Collection method: clinical testing. Allele origin: germline. Affected: yes.
Comment: This variant is associated with the following publications: (PMID: 25564447, 28484309)